The following is an entry in ClinVar:

ClinVar aggregate classification (germline): Uncertain significance (1 of 4 stars; one submission).

Submission:

Women's Health and Genetics/Laboratory Corporation of America, LabCorp
Classification: Uncertain significance. Last evaluated: 2020-02-28. Review status: criteria provided, single submitter. Criteria: LabCorp Variant Classification Summary - May 2015. Collection method: clinical testing. Allele origin: germline.
Comment: Variant summary: UBE3A c.2207G>A (p.Gly736Asp) results in a non-conservative amino acid change located in the HECT domain (IPR000569) of the encoded protein sequence. Five of five in-silico tools predict a damaging effect of the variant on protein function. The variant was absent in 251110 control chromosomes. The available data on variant occurrences in the general population are insufficient to allow any conclusion about variant significance. To our knowledge, no occurrence of c.2207G>A in individuals affected with Angelman Syndrome and no experimental evidence demonstrating its impact on protein function have been reported. No clinical diagnostic laboratories have submitted clinical-significance assessments for this variant to ClinVar after 2014. Based on the evidence outlined above, the variant was classified as uncertain significance.

NM_130839.5(UBE3A):c.2198G>A (p.Gly733Asp)

Genes: SNHG14 (small nucleolar RNA host gene 14; plus strand), UBE3A (ubiquitin protein ligase E3A; minus strand). Cytogenetic location: 15q11.2.
Variant type: single nucleotide variant.
Coding change: c.2198G>A on transcript NM_130839.5 (MANE Select); coding-DNA position 2198, G replaced by A.
Protein change: p.Gly733Asp; replaces glycine 733 with aspartic acid.
Molecular consequence: missense variant. On other transcripts: non-coding transcript variant (1), intron variant (3).
Genome position (GRCh38, 1-based): chr15:25,354,610, C>T on the plus strand (G>A on the coding strand, the complement: UBE3A is on the minus strand). VCF-style: chr15-25354610-C-T. GRCh37 (hg19) VCF-style: chr15-25599757-C-T.
Other names: c.2207G>A, p.Gly736Asp (NM_000462.5); c.2198G>A, p.Gly733Asp (NM_001354505.1, NM_001354538.2); c.2138G>A, p.Gly713Asp (NM_001354506.2, NM_001354507.2, NM_001354508.2 and 14 more transcripts); c.2021G>A, p.Gly674Asp (NM_001354546.2); c.1973G>A, p.Gly658Asp (NM_001354549.2); c.947G>A, p.Gly316Asp (NM_001354550.2); c.887G>A, p.Gly296Asp (NM_001354551.2); c.2065-184G>A (NM_001354548.2, NM_001354547.2); and 1 more; short protein forms G674D, G733D, G296D, G316D, G736D, G658D, G713D.
Identifiers: ClinVar variation 917692 (VCV000917692.1), dbSNP rs1595572384, ClinGen allele CA391351789.